The following is an entry in ClinVar:

NM_021803.4(IL21):c.208A>C (p.Asn70His)

Gene: IL21 (interleukin 21; minus strand). Cytogenetic location: 4q27.
Variant type: single nucleotide variant.
Coding change: c.208A>C on transcript NM_021803.4 (MANE Select); coding-DNA position 208, A replaced by C.
Protein change: p.Asn70His; replaces asparagine 70 with histidine.
Molecular consequence: missense variant.
Genome position (GRCh38, 1-based): chr4:122,615,834, T>G on the plus strand (A>C on the coding strand, the complement: IL21 is on the minus strand). VCF-style: chr4-122615834-T-G. GRCh37 (hg19) VCF-style: chr4-123536989-T-G.
Other names: c.208A>C, p.Asn70His (NM_001207006.3); short protein forms N70H.
Identifiers: ClinVar variation 4721758 (VCV004721758.1).

ClinVar aggregate classification (germline): Uncertain significance (1 of 4 stars; one submission).

Submission:

Labcorp Genetics (formerly Invitae), Labcorp
Classification: Uncertain significance. Last evaluated: 2025-06-19. Review status: criteria provided, single submitter. Criteria: Invitae Variant Classification Sherloc (09022015). Collection method: clinical testing. Allele origin: germline.
Comment: This sequence change replaces asparagine, which is neutral and polar, with histidine, which is basic and polar, at codon 70 of the IL21 protein (p.Asn70His). This variant is not present in population databases (gnomAD no frequency). This variant has not been reported in the literature in individuals affected with IL21-related conditions. An algorithm developed to predict the effect of missense changes on protein structure and function outputs the following: PolyPhen-2: "Benign". The histidine amino acid residue is found in multiple mammalian species, which suggests that this missense change does not adversely affect protein function. In summary, the available evidence is currently insufficient to determine the role of this variant in disease. Therefore, it has been classified as a Variant of Uncertain Significance.